The following is an entry in ClinVar:

NM_020732.3:c.6599A>C

Gene: ARID1B (AT-rich interaction domain 1B; plus strand).
Variant type: single nucleotide variant.
Other names: c.6599A>C (NM_020732.3).
Identifiers: ClinVar variation 4536530 (VCV004536530.1).

ClinVar aggregate classification (germline): Uncertain significance (1 of 4 stars; one submission).

Submission:

GeneDx
Classification: Uncertain significance. Last evaluated: 2025-06-03. Review status: criteria provided, single submitter. Criteria: GeneDx Variant Classification Process June 2021. Collection method: clinical testing. Allele origin: germline. Affected: yes.
Comment: Not observed at significant frequency in large population cohorts (gnomAD); In silico analysis supports that this missense variant has a deleterious effect on protein structure/function; Has not been previously published as pathogenic or benign to our knowledge